The following is an entry in ClinVar:

NM_000038.6(APC):c.1690C>T (p.Arg564Ter)

Gene: APC (APC regulator of Wnt signaling pathway; plus strand). Cytogenetic location: 5q22.2.
Variant type: single nucleotide variant.
Coding change: c.1690C>T on transcript NM_000038.6 (MANE Select); coding-DNA position 1690, C replaced by T.
Protein change: p.Arg564Ter; replaces arginine 564 with a stop codon.
Molecular consequence: nonsense.
Genome position (GRCh38, 1-based): chr5:112,828,919, C>T. VCF-style: chr5-112828919-C-T. GRCh37 (hg19) VCF-style: chr5-112164616-C-T.
Other names: c.1690C>T, p.Arg564Ter (NM_001127510.3, NM_001354895.2); c.1636C>T, p.Arg546Ter (NM_001127511.3); c.1744C>T, p.Arg582Ter (NM_001354896.2); c.1720C>T, p.Arg574Ter (NM_001354897.2); c.1615C>T, p.Arg539Ter (NM_001354898.2); c.1606C>T, p.Arg536Ter (NM_001354899.2); c.1567C>T, p.Arg523Ter (NM_001354900.2); c.1513C>T, p.Arg505Ter (NM_001354901.2); and 5 more; short protein forms R564*, R546*, R463*, R473*, R505*, R536*, R281*, R574*.
Identifiers: ClinVar variation 808 (VCV000000808.44), dbSNP rs137854574, ClinGen allele CA005451.
Genomic context (GRCh38, chr5:112,828,919, plus strand): 5'-ATTGCGAGTGTTTTGAGGAATTTGTCTTGGCGAGCAGATGTAAATAGTAAAAAGACGTTG[C>T]GAGAAGTTGGAAGTGTGAAAGCATTGATGGAATGTGCTTTAGAAGTTAAAAAGGTACCTT-3'

ClinVar aggregate classification (germline): Pathogenic. Review status: criteria provided, multiple submitters, no conflicts (2 of 4 stars). 20 submissions from 20 submitters: Pathogenic (15). 5 of the submissions do not count toward it. Last evaluated 2026-01-13.
ClinVar aggregate classification (oncogenicity): Oncogenic (1 of 4 stars; one submission).

Conditions:
Colorectal cancer. Also called: Colorectal cancer, somatic; Malignant Colorectal Neoplasm. Identifiers: MedGen C0346629, MONDO:0005575, OMIM 114500.
Gastric cancer. Also called: Malignant tumor of stomach; Stomach cancer. Identifiers: MedGen C0024623, MeSH D013274, MONDO:0001056, OMIM 613659, HP:0012126.
Desmoid disease, hereditary (DESMD). Also called: FIBROMATOSIS, FAMILIAL INFILTRATIVE. Identifiers: Orphanet 873, MedGen C1851124, OMIM 135290. Disease mechanism: loss of function.
Hepatocellular carcinoma (HCC). Also called: Primary carcinoma of liver; HEPATOMA; LIVER CELL CARCINOMA. Identifiers: Orphanet 88673, MedGen C2239176, MONDO:0007256, OMIM 114550, HP:0001402.
Gastric adenocarcinoma and proximal polyposis of the stomach (GAPPS). Also called: Polyposis, gastric, Dos Santos and de Magalhaes 1980; POLYPOSIS, GASTRIC; Gastric Adenocarcinoma and Proximal Polyposis of the Stomach (GAPPS). Identifiers: Orphanet 314022, MedGen C4749917, MONDO:0017790, OMIM 619182.
Familial adenomatous polyposis 1 (FAP1). Also called: FAMILIAL ADENOMATOUS POLYPOSIS 1, ATTENUATED; POLYPOSIS, ADENOMATOUS INTESTINAL. Identifiers: MedGen C2713442, MONDO:0021056, OMIM 175100. Disease mechanism: loss of function.
Classic or attenuated familial adenomatous polyposis. Identifiers: MedGen CN372698, MONDO:0021057.
APC-related disorder. Also called: APC-related condition.
Hereditary cancer-predisposing syndrome. Also called: Hereditary neoplastic syndrome; Hereditary Cancer Syndrome; Neoplastic Syndromes, Hereditary; Tumor predisposition. Identifiers: Orphanet 140162, MedGen C0027672, MeSH D009386, MONDO:0015356.
Familial multiple polyposis syndrome (FAP). Also called: Familial polyposis; Familial adenomatous polyposis; Familial intestinal polyposis; Classic familial adenomatous polyposis; Familial Adenomatous Polyposis (FAP). Identifiers: Orphanet 733, MedGen C0032580, MONDO:0021055. Disease mechanism: loss of function.
Neoplasm. Also called: Neoplasms; Neoplasm (disease); tumor. Identifiers: MedGen C0027651, MeSH D009369, MONDO:0005070, HP:0002664.

Allele frequency attached by ClinVar (database versions not stated): gnomAD exomes below 0.00001.
gnomAD v4.1: 1 of 1,613,730 alleles (0.000062%); highest among the groups gnomAD compares: Non-Finnish European, 0.000085%; no homozygotes.

Submissions 1 to 9 of 21:

Center for Genomic Medicine, Rigshospitalet, Copenhagen University Hospital
Classification: Oncogenic for Neoplasm. Last evaluated: 2026-10-16. Review status: criteria provided, single submitter. Criteria: ClinGen/CGC/VICC Guidelines for Oncogenicity, 2022. Collection method: clinical testing. Allele origin: somatic. Affected: yes.

Labcorp Genetics (formerly Invitae), Labcorp
Classification: Pathogenic for Familial adenomatous polyposis 1. Last evaluated: 2026-01-13. Review status: criteria provided, single submitter. Criteria: Invitae Variant Classification Sherloc (09022015). Collection method: clinical testing. Allele origin: germline.
Comment: This sequence change creates a premature translational stop signal (p.Arg564*) in the APC gene. It is expected to result in an absent or disrupted protein product. Loss-of-function variants in APC are known to be pathogenic (PMID: 17963004, 20685668). This variant is not present in population databases (gnomAD no frequency). This premature translational stop signal has been observed in individual(s) with familial adenomatous polyposis (PMID: 1324223, 15833136, 19036155, 20223039, 20685668, 26446593). ClinVar contains an entry for this variant (Variation ID: 808). For these reasons, this variant has been classified as Pathogenic.

PreventionGenetics, part of Exact Sciences
Classification: Pathogenic for APC-related condition. Last evaluated: 2025-05-28. Review status: criteria provided, single submitter. Criteria: ACMG Guidelines, 2015. Collection method: clinical testing. Allele origin: germline.
Comment: The APC c.1690C>T variant is predicted to result in premature protein termination (p.Arg564*). This variant has been reported in several individuals with familial adenomatous polyposis coli (see for example, Fodde et al. 1992. PubMed ID: 1324223; Sup. Table 1, Lagarde et al. 2010. PubMed ID: 20685668; Papp et al. 2016. PubMed ID: 26446593; Jinda et al. 2023. PubMed ID: 37323311). This variant has not been reported in gnomAD, indicating it is rare. In the ClinVar database, this variant is classified as pathogenic. Nonsense variants in APC are expected to be pathogenic. This variant is interpreted as pathogenic.

Ambry Genetics
Classification: Pathogenic for Hereditary cancer-predisposing syndrome. Last evaluated: 2024-11-05. Review status: criteria provided, single submitter. Criteria: Ambry Variant Classification Scheme 2023. Collection method: clinical testing. Allele origin: germline.
Comment: The p.R564* pathogenic mutation (also known as c.1690C>T), located in coding exon 13 of the APC gene, results from a C to T substitution at nucleotide position 1690. This changes the amino acid from an arginine to a stop codon within coding exon 13. This variant was reported in multiple individuals with features consistent with familial adenomatous polyposis (Fodde R et al. Genomics. 1992 Aug;13(4):1162-8; Friedl W and Aretz S. Hered. Cancer Clin Pract. 2005 Sep 15;3(3):95-114; Nilbert M et al. BMC Med. Genet. 2008 Nov 26;9:101; Papp J et al. Fam. Cancer. 2016 Jan;15:85-97; Weiss V et al. World J. Gastrointest. Oncol. 2016 Aug;8:615-22; Tsukanov AS et al. Russian J. of Genet. 2017 Mar;53(3):369-75). This variant is considered to be rare based on population cohorts in the Genome Aggregation Database (gnomAD).In addition to the clinical data presented in the literature, this alteration is expected to result in loss of function by premature protein truncation or nonsense-mediated mRNA decay. As such, this alteration is interpreted as a disease-causing mutation.

Clinical Genetics Laboratory, Skane University Hospital Lund
Classification: Pathogenic. Last evaluated: 2024-02-01. Review status: criteria provided, single submitter. Criteria: ACMG Guidelines, 2015. Collection method: clinical testing. Allele origin: germline. Affected: yes.

All of Us Research Program, National Institutes of Health
Classification: Pathogenic for Classic or attenuated familial adenomatous polyposis. Last evaluated: 2023-11-08. Review status: criteria provided, single submitter. Criteria: ACMG Guidelines, 2015. Collection method: clinical testing. Allele origin: germline. Inheritance: Autosomal dominant inheritance. Observed: 1 variant allele, 1 heterozygote.
Comment: The c.1690C>T (p.Arg564*) variant in the APC gene is located on the exon 14 and is predicted to introduce a premature translation termination codon (p.Arg564*), resulting in an absent or disrupted protein product. The variant has been reported in multiple individuals with familial adenomatous polyposis/colorectal cancer (PMID: PMID: 19444466, 33359728, 26446593, 33279946, 19036155). Loss-of-function variants of APC are known to be pathogenic and frameshift/truncating variants located upstream and downstream to this position have been reported in individuals with familial adenomatous polyposis/colorectal cancer (PMID: 26446593, 23159591, 31591141, 33769591). The variant is reported in ClinVar as pathogenic (ID: 808). The variant is absent in the general population database (gnomAD). Therefore, the c.1690C>T (p.Arg564*) variant of APC has been classified as pathogenic.

This study involves interpretation of variants in research participants for the purpose of population health screening. Participant phenotype was not available at the time of variant classification. Additional details can be found in publication PMID: 35346344, PMCID: PMC8962531

Institute for Genomic Medicine (IGM) Clinical Laboratory, Nationwide Children's Hospital
Classification: Pathogenic for Familial adenomatous polyposis 1. Last evaluated: 2023-10-16. Review status: criteria provided, single submitter. Criteria: ACMG Guidelines, 2015. Collection method: clinical testing. Allele origin: germline.
Comment: This variant is predicted to result in loss of function through nonsense-mediated decay of the encoded transcript or premature truncation of the encoded protein in a gene in which loss of function is a known mechanism of disease (ACMG/AMP: PVS1). This variant has been reported at an elevated frequency in affected individuals/in multiple affected individuals in the literature (ACMG/AMP: PS4; PMIDs:15833136, 19036155, 20223039, 26446593, 33359728, 35189564, 35296888, 36113625, 37323311). This variant is absent from or present at an exceedingly low frequency in gnomAD, a large-scale control population database (ACMG/AMP: PM2).

Baylor Genetics
Classification: Pathogenic for Familial adenomatous polyposis 1. Last evaluated: 2023-05-24. Review status: criteria provided, single submitter. Criteria: ACMG Guidelines, 2015. Collection method: clinical testing. Allele origin: unknown.

Myriad Genetics, Inc.
Classification: Pathogenic for Familial adenomatous polyposis 1. Last evaluated: 2023-05-02. Review status: criteria provided, single submitter. Criteria: Myriad Autosomal Dominant, Autosomal Recessive and X-Linked Classification Criteria (2023). Collection method: clinical testing. Allele origin: unknown.
Comment: This variant is considered pathogenic. This variant creates a termination codon and is predicted to result in premature protein truncation.